The following is an entry in ClinVar:

ClinVar aggregate classification (germline): Uncertain significance (1 of 4 stars; one submission).

Conditions:
Dilated cardiomyopathy 1JJ (CMD1JJ). Identifiers: Orphanet 154, MedGen C3808935, MONDO:0014095, OMIM 615235.

gnomAD v4.1: 1 of 1,594,150 alleles (0.000063%); highest among the groups gnomAD compares: Non-Finnish European, 0.000085%; no homozygotes.

Submission:

Labcorp Genetics (formerly Invitae), Labcorp
Classification: Uncertain significance for Dilated cardiomyopathy 1JJ. Last evaluated: 2022-06-26. Review status: criteria provided, single submitter. Criteria: Invitae Variant Classification Sherloc (09022015). Collection method: clinical testing. Allele origin: germline.
Comment: This variant has not been reported in the literature in individuals affected with LAMA4-related conditions. In summary, the available evidence is currently insufficient to determine the role of this variant in disease. Therefore, it has been classified as a Variant of Uncertain Significance. Algorithms developed to predict the effect of missense changes on protein structure and function are either unavailable or do not agree on the potential impact of this missense change (SIFT: "Deleterious"; PolyPhen-2: "Possibly Damaging"; Align-GVGD: "Class C0"). This variant is not present in population databases (gnomAD no frequency). This sequence change replaces alanine, which is neutral and non-polar, with glutamic acid, which is acidic and polar, at codon 41 of the LAMA4 protein (p.Ala41Glu).

NM_001105206.3(LAMA4):c.122C>A (p.Ala41Glu)

Genes: LAMA4 (laminin subunit alpha 4; minus strand), LAMA4-AS1 (LAMA4 antisense RNA 1; plus strand). Cytogenetic location: 6q21.
Variant type: single nucleotide variant.
Coding change: c.122C>A on transcript NM_001105206.3 (MANE Select); coding-DNA position 122, C replaced by A.
Protein change: p.Ala41Glu; replaces alanine 41 with glutamic acid.
Molecular consequence: missense variant.
Genome position (GRCh38, 1-based): chr6:112,254,029, G>T on the plus strand (C>A on the coding strand, the complement: LAMA4 is on the minus strand). VCF-style: chr6-112254029-G-T. GRCh37 (hg19) VCF-style: chr6-112575231-G-T.
Other names: c.122C>A, p.Ala41Glu (NM_001105207.3, NM_001105208.3, NM_001105209.3 and 1 more transcripts); short protein forms A41E.
Identifiers: ClinVar variation 2010772 (VCV002010772.4), dbSNP rs553474007, ClinGen allele CA365518797.